The following is an entry in ClinVar:

NM_032737.4(LMNB2):c.1047C>G (p.Phe349Leu)

Gene: LMNB2 (lamin B2; minus strand). Cytogenetic location: 19p13.3.
Variant type: single nucleotide variant.
Coding change: c.1047C>G on transcript NM_032737.4 (MANE Select); coding-DNA position 1047, C replaced by G.
Protein change: p.Phe349Leu; replaces phenylalanine 349 with leucine.
Molecular consequence: missense variant.
Genome position (GRCh38, 1-based): chr19:2,434,450, G>C on the plus strand (C>G on the coding strand, the complement: LMNB2 is on the minus strand). VCF-style: chr19-2434450-G-C. GRCh37 (hg19) VCF-style: chr19-2434448-G-C.
Other names: c.987C>G (NM_032737.2); short protein forms F349L.
Identifiers: ClinVar variation 864197 (VCV000864197.10), dbSNP rs1044762718, ClinGen allele CA304225851.

ClinVar aggregate classification (germline): Uncertain significance. Review status: criteria provided, multiple submitters, no conflicts (2 of 4 stars). 2 submissions from 2 submitters: Uncertain significance (2). Last evaluated 2022-09-01.

Conditions:
Lipodystrophy, partial, acquired, susceptibility to (APLD). Also called: APLD, SUSCEPTIBILITY TO. Identifiers: MedGen C3887501, MONDO:0100476, OMIM 608709.
Progressive myoclonic epilepsy type 9. Identifiers: Orphanet 457265, MedGen C4225289, MONDO:0014685, OMIM 616540.

Submissions (2):

Labcorp Genetics (formerly Invitae), Labcorp
Classification: Uncertain significance for Progressive myoclonic epilepsy type 9; Lipodystrophy, partial, acquired, susceptibility to. Last evaluated: 2022-09-01. Review status: criteria provided, single submitter. Criteria: Invitae Variant Classification Sherloc (09022015). Collection method: clinical testing. Allele origin: germline.
Comment: In summary, the available evidence is currently insufficient to determine the role of this variant in disease. Therefore, it has been classified as a Variant of Uncertain Significance. Algorithms developed to predict the effect of missense changes on protein structure and function are either unavailable or do not agree on the potential impact of this missense change (SIFT: "Tolerated"; PolyPhen-2: "Possibly Damaging"; Align-GVGD: "Class C0"). ClinVar contains an entry for this variant (Variation ID: 864197). This variant has not been reported in the literature in individuals affected with LMNB2-related conditions. This variant is not present in population databases (gnomAD no frequency). This sequence change replaces phenylalanine, which is neutral and non-polar, with leucine, which is neutral and non-polar, at codon 349 of the LMNB2 protein (p.Phe349Leu).

Ambry Genetics
Classification: Uncertain significance. Last evaluated: 2021-08-04. Review status: criteria provided, single submitter. Criteria: Ambry Variant Classification Scheme 2023. Collection method: clinical testing. Allele origin: germline.